The following is an entry in ClinVar:

ClinVar aggregate classification (germline): Uncertain significance. Review status: criteria provided, single submitter (1 of 4 stars). 2 submissions from 2 submitters: Uncertain significance (1). 1 of the submissions does not count toward it. Last evaluated 2021-05-26.

Conditions:
LAMC3-related disorder. Also called: LAMC3-related condition.

Submissions (2):

GeneDx
Classification: Uncertain significance. Last evaluated: 2021-05-26. Review status: criteria provided, single submitter. Criteria: GeneDx Variant Classification Process June 2021. Collection method: clinical testing. Allele origin: germline. Affected: yes.

PreventionGenetics, part of Exact Sciences
Classification: Uncertain significance for LAMC3-related condition. Last evaluated: 2023-11-21. Review status: no assertion criteria provided. Collection method: clinical testing. Allele origin: germline. Not counted in ClinVar's aggregate classification.
Comment: The LAMC3 c.231C>G variant is predicted to result in the amino acid substitution p.Cys77Trp. To our knowledge, this variant has not been reported in the literature or in a large population database, indicating this variant is rare. At this time, the clinical significance of this variant is uncertain due to the absence of conclusive functional and genetic evidence.

NM_006059.4(LAMC3):c.231C>G (p.Cys77Trp)

Gene: LAMC3 (laminin subunit gamma 3; plus strand). Cytogenetic location: 9q34.12.
Variant type: single nucleotide variant.
Coding change: c.231C>G on transcript NM_006059.4 (MANE Select); coding-DNA position 231, C replaced by G.
Protein change: p.Cys77Trp; replaces cysteine 77 with tryptophan.
Molecular consequence: missense variant.
Genome position (GRCh38, 1-based): chr9:131,009,445, C>G. VCF-style: chr9-131009445-C-G. GRCh37 (hg19) VCF-style: chr9-133884832-C-G.
Other names: short protein forms C77W.
Identifiers: ClinVar variation 1326386 (VCV001326386.4), dbSNP rs1833367465, ClinGen allele CA375250655.